The following is an entry in ClinVar:

NM_032040.5(CCDC8):c.1106C>A (p.Ala369Glu)

Gene: CCDC8 (coiled-coil domain containing 8 subunit of 3M complex; minus strand). Cytogenetic location: 19q13.32.
Variant type: single nucleotide variant.
Coding change: c.1106C>A on transcript NM_032040.5 (MANE Select); coding-DNA position 1106, C replaced by A.
Protein change: p.Ala369Glu; replaces alanine 369 with glutamic acid.
Molecular consequence: missense variant.
Genome position (GRCh38, 1-based): chr19:46,411,705, G>T on the plus strand (C>A on the coding strand, the complement: CCDC8 is on the minus strand). VCF-style: chr19-46411705-G-T. GRCh37 (hg19) VCF-style: chr19-46914962-G-T.
Other names: short protein forms A369E.
Identifiers: ClinVar variation 3674856 (VCV003674856.2).

ClinVar aggregate classification (germline): Uncertain significance (1 of 4 stars; one submission).

gnomAD v4.1: 7 of 1,612,648 alleles (0.00043%); highest among the groups gnomAD compares: South Asian, 0.0077%; no homozygotes.

Submission:

Labcorp Genetics (formerly Invitae), Labcorp
Classification: Uncertain significance. Last evaluated: 2025-06-05. Review status: criteria provided, single submitter. Criteria: Invitae Variant Classification Sherloc (09022015). Collection method: clinical testing. Allele origin: germline.
Comment: This sequence change replaces alanine, which is neutral and non-polar, with glutamic acid, which is acidic and polar, at codon 369 of the CCDC8 protein (p.Ala369Glu). This variant is present in population databases (rs574053078, gnomAD 0.01%). This variant has not been reported in the literature in individuals affected with CCDC8-related conditions. ClinVar contains an entry for this variant (Variation ID: 3674856). An algorithm developed to predict the effect of missense changes on protein structure and function (PolyPhen-2) suggests that this variant is likely to be tolerated. In summary, the available evidence is currently insufficient to determine the role of this variant in disease. Therefore, it has been classified as a Variant of Uncertain Significance.